The following is an entry in ClinVar:

NM_014000.3(VCL):c.1457del (p.Pro486fs)

Gene: VCL (vinculin; plus strand). Cytogenetic location: 10q22.2.
Variant type: Deletion.
Coding change: c.1457del on transcript NM_014000.3 (MANE Select); coding-DNA position 1457, one base deleted (C; older notation c.1457delC).
Protein change: p.Pro486fs; shifts the reading frame from proline 486.
Molecular consequence: frameshift variant.
Genome position (GRCh38, 1-based): chr10:74,094,375, C deleted; the last of 2 consecutive C bases (chr10:74,094,374-74,094,375); deleting either gives the same sequence. VCF-style (leftmost placement, unchanged base first): chr10-74094373-AC-A. GRCh37 (hg19) VCF-style: chr10-75854131-AC-A.
Other names: c.1457del, p.Pro486fs (NM_003373.4); short protein forms P486fs.
Identifiers: ClinVar variation 2078743 (VCV002078743.4), dbSNP rs2549225360, ClinGen allele CA2580081965.

ClinVar aggregate classification (germline): Uncertain significance (1 of 4 stars; one submission).

Conditions:
Dilated cardiomyopathy 1W (CMD1W). Identifiers: Orphanet 154, MedGen C1969639, MONDO:0012667, OMIM 611407.

Submission:

Labcorp Genetics (formerly Invitae), Labcorp
Classification: Uncertain significance for Dilated cardiomyopathy 1W. Last evaluated: 2021-12-27. Review status: criteria provided, single submitter. Criteria: Invitae Variant Classification Sherloc (09022015). Collection method: clinical testing. Allele origin: germline.
Comment: In summary, the available evidence is currently insufficient to determine the role of this variant in disease. Therefore, it has been classified as a Variant of Uncertain Significance. This variant has not been reported in the literature in individuals affected with VCL-related conditions. This variant is not present in population databases (gnomAD no frequency). This sequence change creates a premature translational stop signal (p.Pro486Argfs*48) in the VCL gene. It is expected to result in an absent or disrupted protein product. However, the current clinical and genetic evidence is not sufficient to establish whether loss-of-function variants in VCL cause disease.